The following is an entry in ClinVar:

ClinVar aggregate classification (germline): Conflicting classifications of pathogenicity. Review status: criteria provided, conflicting classifications (1 of 4 stars). 2 submissions from 2 submitters: Uncertain significance (1); Likely benign (1). Last evaluated 2023-07-14.

Conditions:
Cardiovascular phenotype. Identifiers: MedGen CN230736.

Submissions (2):

Ambry Genetics
Classification: Uncertain significance for Cardiovascular phenotype. Last evaluated: 2023-07-14. Review status: criteria provided, single submitter. Criteria: Ambry Variant Classification Scheme 2023. Collection method: clinical testing. Allele origin: germline.
Comment: The p.H132Q variant (also known as c.396C>A), located in coding exon 4 of the EMD gene, results from a C to A substitution at nucleotide position 396. The histidine at codon 132 is replaced by glutamine, an amino acid with highly similar properties. This amino acid position is not well conserved in available vertebrate species. In addition, this alteration is predicted to be tolerated by in silico analysis. Since supporting evidence is limited at this time, the clinical significance of this alteration remains unclear.

GeneDx
Classification: Likely benign. Last evaluated: 2017-05-30. Review status: criteria provided, single submitter. Criteria: GeneDx Variant Classification (06012015). Collection method: clinical testing. Allele origin: germline. Affected: yes.
Comment: This variant is considered likely benign or benign based on one or more of the following criteria: it is a conservative change, it occurs at a poorly conserved position in the protein, it is predicted to be benign by multiple in silico algorithms, and/or has population frequency not consistent with disease.

NM_000117.3(EMD):c.396C>A (p.His132Gln)

Gene: EMD (emerin; plus strand). Cytogenetic location: Xq28.
Variant type: single nucleotide variant.
Coding change: c.396C>A on transcript NM_000117.3 (MANE Select); coding-DNA position 396, C replaced by A.
Protein change: p.His132Gln; replaces histidine 132 with glutamine.
Molecular consequence: missense variant.
Genome position (GRCh38, 1-based): chrX:154,380,364, C>A. VCF-style: chrX-154380364-C-A. GRCh37 (hg19) VCF-style: chrX-153608724-C-A.
Other names: short protein forms H132Q.
Identifiers: ClinVar variation 509933 (VCV000509933.3), dbSNP rs145985318, ClinGen allele CA415258069.